The following is an entry in ClinVar:

NM_001353921.2(ARHGEF9):c.850A>C (p.Met284Leu)

Gene: ARHGEF9 (Cdc42 guanine nucleotide exchange factor 9; minus strand). Cytogenetic location: Xq11.1.
Variant type: single nucleotide variant.
Coding change: c.850A>C on transcript NM_001353921.2 (MANE Select); coding-DNA position 850, A replaced by C.
Protein change: p.Met284Leu; replaces methionine 284 with leucine.
Molecular consequence: missense variant.
Genome position (GRCh38, 1-based): chrX:63,674,133, T>G on the plus strand (A>C on the coding strand, the complement: ARHGEF9 is on the minus strand). VCF-style: chrX-63674133-T-G. GRCh37 (hg19) VCF-style: chrX-62894013-T-G.
Other names: c.670A>C, p.Met224Leu (NM_001173479.2); c.523A>C, p.Met175Leu (NM_001173480.2, NM_001369042.1); c.766A>C, p.Met256Leu (NM_001330495.2, NM_001353927.2, NM_001369033.1 and 8 more transcripts); c.850A>C, p.Met284Leu (NM_001353922.2); c.868A>C, p.Met290Leu (NM_001353923.1); c.649A>C, p.Met217Leu (NM_001353924.2, NM_001353926.2, NM_001369039.1 and 1 more transcripts); c.829A>C, p.Met277Leu (NM_001353928.2, NM_001369030.1, NM_001369031.1 and 2 more transcripts); c.415A>C, p.Met139Leu (NM_001369045.1); short protein forms M139L, M175L, M217L, M224L, M256L, M277L, M284L, M290L.
Identifiers: ClinVar variation 4685360 (VCV004685360.1).

ClinVar aggregate classification (germline): Uncertain significance (1 of 4 stars; one submission).

gnomAD v4.1: 1 of 1,211,206 alleles (0.000083%); highest among the groups gnomAD compares: South Asian, 0.0018%; no homozygotes.

Submission:

GeneDx
Classification: Uncertain significance. Last evaluated: 2025-07-09. Review status: criteria provided, single submitter. Criteria: GeneDx Variant Classification Process June 2021. Collection method: clinical testing. Allele origin: germline. Affected: yes.
Comment: Not observed at significant frequency in large population cohorts (gnomAD); In silico analysis supports that this missense variant has a deleterious effect on protein structure/function; Has not been previously published as pathogenic or benign to our knowledge